The following is an entry in ClinVar:

NM_005560.6(LAMA5):c.5426G>A (p.Arg1809His)

Gene: LAMA5 (laminin subunit alpha 5; minus strand). Cytogenetic location: 20q13.33.
Variant type: single nucleotide variant.
Coding change: c.5426G>A on transcript NM_005560.6 (MANE Select); coding-DNA position 5426, G replaced by A.
Protein change: p.Arg1809His; replaces arginine 1809 with histidine.
Molecular consequence: missense variant.
Genome position (GRCh38, 1-based): chr20:62,325,419, C>T on the plus strand (G>A on the coding strand, the complement: LAMA5 is on the minus strand). VCF-style: chr20-62325419-C-T. GRCh37 (hg19) VCF-style: chr20-60900475-C-T.
Other names: short protein forms R1809H.
Identifiers: ClinVar variation 4534318 (VCV004534318.6).

ClinVar aggregate classification (germline): Uncertain significance (1 of 4 stars; one submission).

gnomAD v4.1: 138 of 1,612,210 alleles (0.0086%); highest among the groups gnomAD compares: East Asian, 0.038%; no homozygotes.

Submission:

CeGaT Center for Human Genetics Tuebingen
Classification: Uncertain significance. Last evaluated: 2025-10-01. Review status: criteria provided, single submitter. Criteria: CeGaT Center For Human Genetics Tuebingen Variant Classification Criteria Version 2. Collection method: clinical testing. Allele origin: germline. Affected: yes. Observed: 1 variant allele.
Comment: LAMA5: PM2:Supporting, BP4